The following is an entry in ClinVar:

ClinVar aggregate classification (germline): Pathogenic/Likely pathogenic. Review status: criteria provided, multiple submitters, no conflicts (2 of 4 stars). 4 submissions from 4 submitters: Pathogenic (3); Likely pathogenic (1). Last evaluated 2024-12-13.

Conditions:
Autosomal recessive nonsyndromic hearing loss 3. Also called: NEUROSENSORY NONSYNDROMIC RECESSIVE DEAFNESS 3. Identifiers: Orphanet 90636, MedGen C1838263, MONDO:0010860, OMIM 600316.
MYO15A-related disorder. Also called: MYO15A-related condition.

Allele frequency attached by ClinVar (database versions not stated): 1000 Genomes Project 0.00020; gnomAD 0.00001; gnomAD exomes 0.00001 and 0.00002; ExAC 0.00002; TOPMed 0.00002; 1000 Genomes Project 30x 0.00016.
gnomAD v4.1: 16 of 1,614,136 alleles (0.00099%); highest among the groups gnomAD compares: East Asian, 0.0045%; no homozygotes.

Submissions (4):

Victorian Clinical Genetics Services, Murdoch Childrens Research Institute
Classification: Pathogenic for Autosomal recessive nonsyndromic hearing loss 3. Last evaluated: 2024-12-13. Review status: criteria provided, single submitter. Criteria: ACMG Guidelines, 2015. Collection method: clinical testing. Allele origin: germline. Affected: yes.
Comment: This variant is classified as Pathogenic. Evidence in support of pathogenic classification: Variant is predicted to cause nonsense-mediated decay (NMD) and loss of protein (premature termination codon is located at least 54 nucleotides upstream of the final exon-exon junction); Variant is present in gnomAD <0.01 for a recessive condition (v4: 16 heterozygotes, 0 homozygotes); This variant has limited previous evidence of pathogenicity. This variant has been classified as pathogenic by clinical laboratories in ClinVar; Other NMD-predicted variants comparable to the one identified in this case have very strong previous evidence for pathogenicity (DECIPHER). Additional information: This variant is heterozygous; This gene is associated with autosomal recessive disease; Loss of function is a known mechanism of disease in this gene and is associated with autosomal recessive deafness 3 (MIM#600316); Inheritance information for this variant is not currently available in this individual.

Labcorp Genetics (formerly Invitae), Labcorp
Classification: Pathogenic. Last evaluated: 2024-08-12. Review status: criteria provided, single submitter. Criteria: Invitae Variant Classification Sherloc (09022015). Collection method: clinical testing. Allele origin: germline.
Comment: This sequence change creates a premature translational stop signal (p.Arg2850*) in the MYO15A gene. It is expected to result in an absent or disrupted protein product. Loss-of-function variants in MYO15A are known to be pathogenic (PMID: 17546645). This variant is present in population databases (rs548514957, gnomAD 0.01%). This variant has not been reported in the literature in individuals affected with MYO15A-related conditions. ClinVar contains an entry for this variant (Variation ID: 1298695). For these reasons, this variant has been classified as Pathogenic.

Blueprint Genetics
Classification: Likely pathogenic for MYO15A-related disorders. Last evaluated: 2024-01-25. Review status: criteria provided, single submitter. Criteria: ACMG Guidelines, 2015. Collection method: clinical testing. Allele origin: germline. Affected: yes. Observed: 3 variant alleles.

CeGaT Center for Human Genetics Tuebingen
Classification: Pathogenic. Last evaluated: 2021-09-01. Review status: criteria provided, single submitter. Criteria: CeGaT Center For Human Genetics Tuebingen Variant Classification Criteria Version 2. Collection method: clinical testing. Allele origin: germline. Affected: yes. Observed: 1 variant allele.

Literature cited by the submitters: PubMed 17546645 (cited by Labcorp Genetics (formerly Invitae), Labcorp).

NM_016239.4(MYO15A):c.8548C>T (p.Arg2850Ter)

Gene: MYO15A (myosin XVA; plus strand). Cytogenetic location: 17p11.2.
Variant type: single nucleotide variant.
Coding change: c.8548C>T on transcript NM_016239.4 (MANE Select); coding-DNA position 8548, C replaced by T.
Protein change: p.Arg2850Ter; replaces arginine 2850 with a stop codon.
Molecular consequence: nonsense.
Genome position (GRCh38, 1-based): chr17:18,156,283, C>T. VCF-style: chr17-18156283-C-T. GRCh37 (hg19) VCF-style: chr17-18059597-C-T.
Other names: short protein forms R2850*.
Identifiers: ClinVar variation 1298695 (VCV001298695.41), dbSNP rs548514957, ClinGen allele CA8425193.